The following is an entry in ClinVar:

ClinVar aggregate classification (germline): Uncertain significance (1 of 4 stars; one submission).

Conditions:
Bardet-Biedl syndrome (BBS). Identifiers: Orphanet 110, MedGen C0752166, MONDO:0015229.

Submission:

Labcorp Genetics (formerly Invitae), Labcorp
Classification: Uncertain significance for Bardet-Biedl syndrome. Last evaluated: 2019-07-18. Review status: criteria provided, single submitter. Criteria: Invitae Variant Classification Sherloc (09022015). Collection method: clinical testing. Allele origin: germline.
Comment: In summary, the available evidence is currently insufficient to determine the role of this variant in disease. Therefore, it has been classified as a Variant of Uncertain Significance. This variant has not been reported in the literature in individuals with BBS4-related conditions. This variant results in a copy number gain of the genomic region encompassing exons 1-2 of the BBS4 gene, which includes the initiator codon. The 5' end of this event is unknown as it extends beyond the assayed region for this gene and therefore may encompass additional genes. The 3' boundary is likely confined to intron 2 of the BBS4 gene. As the precise location of this event is unknown, it may be in tandem or it may be located elsewhere in the genome.

NC_000015.10:g.(?_72676034)_(72704515_?)dup

Gene: BBS4 (Bardet-Biedl syndrome 4; plus strand). Cytogenetic location: 15q24.1.
Variant type: Duplication.
Identifiers: ClinVar variation 831703 (VCV000831703.5).